The following is an entry in ClinVar:

NM_000702.4(ATP1A2):c.2977C>A (p.Leu993Ile)

Gene: ATP1A2 (ATPase Na+/K+ transporting subunit alpha 2; plus strand). Cytogenetic location: 1q23.2.
Variant type: single nucleotide variant.
Coding change: c.2977C>A on transcript NM_000702.4 (MANE Select); coding-DNA position 2977, C replaced by A.
Protein change: p.Leu993Ile; replaces leucine 993 with isoleucine.
Molecular consequence: missense variant.
Genome position (GRCh38, 1-based): chr1:160,139,927, C>A. VCF-style: chr1-160139927-C-A. GRCh37 (hg19) VCF-style: chr1-160109717-C-A.
Other names: short protein forms L993I.
Identifiers: ClinVar variation 4777030 (VCV004777030.1).

ClinVar aggregate classification (germline): Uncertain significance (1 of 4 stars; one submission).

Conditions:
Familial hemiplegic migraine. Identifiers: MedGen C0338484, MONDO:0000700.

gnomAD v4.1: 2 of 1,614,200 alleles (0.00012%); highest among the groups gnomAD compares: African/African-American, 0.0013%; no homozygotes.

Submission:

Labcorp Genetics (formerly Invitae), Labcorp
Classification: Uncertain significance for Familial hemiplegic migraine. Last evaluated: 2025-09-15. Review status: criteria provided, single submitter. Criteria: Invitae Variant Classification Sherloc (09022015). Collection method: clinical testing. Allele origin: germline.
Comment: This sequence change replaces leucine, which is neutral and non-polar, with isoleucine, which is neutral and non-polar, at codon 993 of the ATP1A2 protein (p.Leu993Ile). This variant is not present in population databases (gnomAD no frequency). This variant has not been reported in the literature in individuals affected with ATP1A2-related conditions. Invitae Evidence Modeling of protein sequence and biophysical properties (such as structural, functional, and spatial information, amino acid conservation, physicochemical variation, residue mobility, and thermodynamic stability) indicates that this missense variant is not expected to disrupt ATP1A2 protein function with a negative predictive value of 80%. In summary, the available evidence is currently insufficient to determine the role of this variant in disease. Therefore, it has been classified as a Variant of Uncertain Significance.